The following is an entry in ClinVar:

NM_000352.6(ABCC8):c.1580_1581dup (p.Lys528fs)

Gene: ABCC8 (ATP binding cassette subfamily C member 8; minus strand). Cytogenetic location: 11p15.1.
Variant type: Duplication.
Coding change: c.1580_1581dup on transcript NM_000352.6 (MANE Select); coding-DNA positions 1580 to 1581, 2 bases duplicated (GG; older notation c.1580_1581dupGG).
Protein change: p.Lys528fs; shifts the reading frame from lysine 528.
Molecular consequence: frameshift variant. On other transcripts: non-coding transcript variant (1).
Genome position (GRCh38, 1-based): chr11:17,442,769-17,442,770, CC duplicated on the plus strand (GG on the coding strand, the reverse complement: ABCC8 is on the minus strand). VCF-style (leftmost placement, unchanged base first): chr11-17442768-T-TCC. GRCh37 (hg19) VCF-style: chr11-17464315-T-TCC.
Other names: c.1580_1581dup, p.Lys528fs (NM_001287174.3, NM_001351295.2); c.1577_1578dup, p.Lys527fs (NM_001351296.2, NM_001351297.2); short protein forms K527fs, K528fs.
Identifiers: ClinVar variation 4818234 (VCV004818234.1).

ClinVar aggregate classification (germline): Likely pathogenic (1 of 4 stars; one submission).

Conditions:
Hereditary hyperinsulinism.

Submission:

Natera, Inc.
Classification: Likely pathogenic for Hereditary hyperinsulinism. Last evaluated: 2025-09-14. Review status: criteria provided, single submitter. Criteria: Natera Variant Classification Schema (03/2026). Collection method: clinical testing. Allele origin: germline.
Comment: The c.1580_1581dup variant in ABCC8 is a frameshift variant predicted to shift the reading frame beginning at codon 528 and leads to a stop codon 4 codons downstream. This variant is expected to result in nonsense mediated decay, truncation, or a dysfunctional protein product. This variant is rare in the general population with a frequency below the threshold expected for the associated phenotype(s). Given the available evidence, this variant is classified as Likely Pathogenic.